The following is an entry in ClinVar:

NM_005458.8(GABBR2):c.920T>G (p.Leu307Arg)

Gene: GABBR2 (gamma-aminobutyric acid type B receptor subunit 2; minus strand). Cytogenetic location: 9q22.33.
Variant type: single nucleotide variant.
Coding change: c.920T>G on transcript NM_005458.8 (MANE Select); coding-DNA position 920, T replaced by G.
Protein change: p.Leu307Arg; replaces leucine 307 with arginine.
Molecular consequence: missense variant.
Genome position (GRCh38, 1-based): chr9:98,473,225, A>C on the plus strand (T>G on the coding strand, the complement: GABBR2 is on the minus strand). VCF-style: chr9-98473225-A-C. GRCh37 (hg19) VCF-style: chr9-101235507-A-C.
Other names: short protein forms L307R.
Identifiers: ClinVar variation 2807218 (VCV002807218.3), dbSNP rs1248272536, ClinGen allele CA374351402.
Genomic context (GRCh38, chr9:98,473,225, plus strand): 5'-ATCTGCTTGGAGCTCAGGGGCTCGAAATCCACGCCAATGTAGCCCTCCATGGCAGCAAGC[A>C]GATTCTTCCGGAGGCAGCGGGATGAGTTGGCTTCCGTGTGCACCTGCTCCCACCAAGAAG-3'
Protein context (NP_005449.5, residues 297-317): ANSSRCLRKN[Leu307Arg]LAAMEGYIGV

ClinVar aggregate classification (germline): Uncertain significance (1 of 4 stars; one submission).

Conditions:
Epileptic encephalopathy. Identifiers: MedGen C0543888, HP:0200134.

Allele frequency attached by ClinVar (database versions not stated): gnomAD exomes below 0.00001; gnomAD 0.00002; TOPMed 0.00002.
gnomAD v4.1: 6 of 1,613,866 alleles (0.00037%); highest among the groups gnomAD compares: Non-Finnish European, 0.00051%; no homozygotes.

Submission:

Labcorp Genetics (formerly Invitae), Labcorp
Classification: Uncertain significance for Epileptic encephalopathy. Last evaluated: 2024-11-21. Review status: criteria provided, single submitter. Criteria: Invitae Variant Classification Sherloc (09022015). Collection method: clinical testing. Allele origin: germline.
Comment: This sequence change replaces leucine, which is neutral and non-polar, with arginine, which is basic and polar, at codon 307 of the GABBR2 protein (p.Leu307Arg). This variant is not present in population databases (gnomAD no frequency). This variant has not been reported in the literature in individuals affected with GABBR2-related conditions. ClinVar contains an entry for this variant (Variation ID: 2807218). Invitae Evidence Modeling of protein sequence and biophysical properties (such as structural, functional, and spatial information, amino acid conservation, physicochemical variation, residue mobility, and thermodynamic stability) indicates that this missense variant is expected to disrupt GABBR2 protein function with a positive predictive value of 80%. In summary, the available evidence is currently insufficient to determine the role of this variant in disease. Therefore, it has been classified as a Variant of Uncertain Significance.